The following is an entry in ClinVar:

NM_001201543.2(FAM161A):c.228G>A (p.Pro76=)

Gene: FAM161A (FAM161 centrosomal protein A; minus strand). Cytogenetic location: 2p15.
Variant type: single nucleotide variant.
Coding change: c.228G>A on transcript NM_001201543.2 (MANE Select); coding-DNA position 228, G replaced by A.
Protein change: p.Pro76=; no amino-acid change (proline 76 retained).
Molecular consequence: synonymous variant. On other transcripts: non-coding transcript variant (1).
Genome position (GRCh38, 1-based): chr2:61,842,316, C>T on the plus strand (G>A on the coding strand, the complement: FAM161A is on the minus strand). VCF-style: chr2-61842316-C-T. GRCh37 (hg19) VCF-style: chr2-62069451-C-T.
Other names: c.228G>A, p.Pro76= (NM_032180.3).
Identifiers: ClinVar variation 792372 (VCV000792372.14), dbSNP rs776173729, ClinGen allele CA1679399.

ClinVar aggregate classification (germline): Likely benign. Review status: criteria provided, multiple submitters, no conflicts (2 of 4 stars). 4 submissions from 4 submitters: Likely benign (2). 2 of the submissions do not count toward it. Last evaluated 2025-12-17.

Conditions:
Retinitis pigmentosa 28 (RP28). Identifiers: Orphanet 791, MedGen C1419614, MONDO:0011630, OMIM 606068.
FAM161A-related disorder. Also called: FAM161A-related condition.

Allele frequency attached by ClinVar (database versions not stated): ExAC 0.00006; gnomAD 0.00004 and 0.00005; gnomAD exomes 0.00005; TOPMed 0.00005.
gnomAD v4.1: 124 of 1,591,174 alleles (0.0078%); highest among the groups gnomAD compares: Middle Eastern, 0.017%; no homozygotes.

Submissions (4):

Labcorp Genetics (formerly Invitae), Labcorp
Classification: Likely benign. Last evaluated: 2025-12-17. Review status: criteria provided, single submitter. Criteria: Invitae Variant Classification Sherloc (09022015). Collection method: clinical testing. Allele origin: germline.

Blueprint Genetics
Classification: Likely benign. Last evaluated: 2024-10-21. Review status: criteria provided, single submitter. Criteria: ACMG Guidelines, 2015. Collection method: clinical testing. Allele origin: germline.

Natera, Inc.
Classification: Likely benign for Retinitis pigmentosa type 28. Last evaluated: 2020-12-12. Review status: no assertion criteria provided. Collection method: clinical testing. Allele origin: germline. Not counted in ClinVar's aggregate classification.

PreventionGenetics, part of Exact Sciences
Classification: Likely benign for FAM161A-related condition. Last evaluated: 2020-03-25. Review status: no assertion criteria provided. Collection method: clinical testing. Allele origin: germline. Not counted in ClinVar's aggregate classification.
Comment: This variant is classified as likely benign based on ACMG/AMP sequence variant interpretation guidelines (Richards et al. 2015 PMID: 25741868, with internal and published modifications).